The following is an entry in ClinVar:

NM_001849.4(COL6A2):c.2828C>G (p.Ser943Cys)

Gene: COL6A2 (collagen type VI alpha 2 chain; plus strand). Cytogenetic location: 21q22.3.
Variant type: single nucleotide variant.
Coding change: c.2828C>G on transcript NM_001849.4 (MANE Select); coding-DNA position 2828, C replaced by G.
Protein change: p.Ser943Cys; replaces serine 943 with cysteine.
Molecular consequence: missense variant.
Genome position (GRCh38, 1-based): chr21:46,132,320, C>G. VCF-style: chr21-46132320-C-G. GRCh37 (hg19) VCF-style: chr21-47552234-C-G.
Other names: short protein forms S943C.
Identifiers: ClinVar variation 961125 (VCV000961125.13), dbSNP rs372022187, ClinGen allele CA10073042.

ClinVar aggregate classification (germline): Conflicting classifications of pathogenicity. Review status: criteria provided, conflicting classifications (1 of 4 stars). 3 submissions from 3 submitters: Uncertain significance (2); Likely benign (1). Last evaluated 2026-06-28.

Conditions:
Bethlem myopathy 1A. Also called: Bethlem myopathy 1; MYOPATHY, BENIGN CONGENITAL, WITH CONTRACTURES; Bethlem Muscular Dystrophy. Identifiers: Orphanet 610, MedGen CN029274, MONDO:0024530, OMIM 158810.
COL6A2-related disorder.

Allele frequency attached by ClinVar (database versions not stated): ExAC 0.00002; gnomAD 0.00002; TOPMed 0.00002.
gnomAD v4.1: 7 of 1,607,238 alleles (0.00044%); highest among the groups gnomAD compares: African/African-American, 0.008%; no homozygotes.

Submissions (3):

PreventionGenetics, part of Exact Sciences
Classification: Uncertain significance for COL6A2-related condition. Last evaluated: 2026-06-28. Review status: criteria provided, single submitter. Criteria: ACMG Guidelines, 2015. Collection method: clinical testing. Allele origin: germline.
Comment: The COL6A2 c.2828C>G variant is predicted to result in the amino acid substitution p.Ser943Cys. To our knowledge, this variant has not been reported in the literature. This variant is reported in 0.019% of alleles in individuals of African descent in gnomAD. At this time, the clinical significance of this variant is uncertain due to the absence of conclusive functional and genetic evidence.

Labcorp Genetics (formerly Invitae), Labcorp
Classification: Likely benign for Bethlem myopathy 1A. Last evaluated: 2023-12-06. Review status: criteria provided, single submitter. Criteria: Invitae Variant Classification Sherloc (09022015). Collection method: clinical testing. Allele origin: germline.

GeneDx
Classification: Uncertain significance. Last evaluated: 2019-03-12. Review status: criteria provided, single submitter. Criteria: GeneDx Variant Classification Process June 2021. Collection method: clinical testing. Allele origin: germline. Affected: yes.
Comment: In silico analysis, which includes protein predictors and evolutionary conservation, supports that this variant does not alter protein structure/function; Has not been previously published as pathogenic or benign to our knowledge